The following is an entry in ClinVar:

NM_001352514.2(HLCS):c.664C>T (p.Gln222Ter)

Gene: HLCS (holocarboxylase synthetase; minus strand). Cytogenetic location: 21q22.13.
Variant type: single nucleotide variant.
Coding change: c.664C>T on transcript NM_001352514.2 (MANE Select); coding-DNA position 664, C replaced by T.
Protein change: p.Gln222Ter; replaces glutamine 222 with a stop codon.
Molecular consequence: nonsense. On other transcripts: non-coding transcript variant (2).
Genome position (GRCh38, 1-based): chr21:36,937,222, G>A on the plus strand (C>T on the coding strand, the complement: HLCS is on the minus strand). VCF-style: chr21-36937222-G-A. GRCh37 (hg19) VCF-style: chr21-38309522-G-A.
Other names: c.223C>T (NM_000411.7); c.223C>T, p.Gln75Ter (NM_000411.8, NM_001242784.3, NM_001242785.2 and 4 more transcripts); short protein forms Q75*, Q222*.
Identifiers: ClinVar variation 203773 (VCV000203773.10), dbSNP rs1555957134, ClinGen allele CA312628.

ClinVar aggregate classification (germline): Pathogenic/Likely pathogenic. Review status: criteria provided, multiple submitters, no conflicts (2 of 4 stars). 4 submissions from 4 submitters: Pathogenic (2); Likely pathogenic (2). Last evaluated 2025-08-01.

Conditions:
Holocarboxylase synthetase deficiency. Also called: MULTIPLE CARBOXYLASE DEFICIENCY, EARLY ONSET. Identifiers: Orphanet 79242, MedGen C0268581, MONDO:0009666, OMIM 253270.

Submissions (4):

Natera, Inc.
Classification: Likely pathogenic for Holocarboxylase synthetase deficiency. Last evaluated: 2025-08-01. Review status: criteria provided, single submitter. Criteria: Natera Variant Classification Schema (03/2026). Collection method: clinical testing. Allele origin: germline.
Comment: The c.223C>T variant in HLCS is a nonsense variant predicted to introduce a stop codon at amino acid 75. This variant is expected to result in nonsense mediated decay, truncation, or a dysfunctional protein product. This variant is rare in the general population with a frequency below the threshold expected for the associated phenotype(s). Given the available evidence, this variant is classified as Likely Pathogenic.

Fulgent Genetics
Classification: Pathogenic for Holocarboxylase synthetase deficiency. Last evaluated: 2024-05-16. Review status: criteria provided, single submitter. Criteria: ACMG Guidelines, 2015. Collection method: clinical testing. Allele origin: germline.

Baylor Genetics
Classification: Likely pathogenic for Holocarboxylase synthetase deficiency. Last evaluated: 2024-02-07. Review status: criteria provided, single submitter. Criteria: ACMG Guidelines, 2015. Collection method: clinical testing. Allele origin: unknown.

Labcorp Genetics (formerly Invitae), Labcorp
Classification: Pathogenic for Holocarboxylase synthetase deficiency. Last evaluated: 2023-06-29. Review status: criteria provided, single submitter. Criteria: Invitae Variant Classification Sherloc (09022015). Collection method: clinical testing. Allele origin: germline.
Comment: This variant is not present in population databases (gnomAD no frequency). This sequence change creates a premature translational stop signal (p.Gln75*) in the HLCS gene. It is expected to result in an absent or disrupted protein product. Loss-of-function variants in HLCS are known to be pathogenic (PMID: 16134170). This variant has not been reported in the literature in individuals affected with HLCS-related conditions. ClinVar contains an entry for this variant (Variation ID: 203773). For these reasons, this variant has been classified as Pathogenic.

Literature cited by the submitters: PubMed 16134170 (cited by Labcorp Genetics (formerly Invitae), Labcorp).